The following is an entry in ClinVar:

NM_033380.3(COL4A5):c.2168dup (p.Pro724fs)

Gene: COL4A5 (collagen type IV alpha 5 chain; plus strand). Cytogenetic location: Xq22.3.
Variant type: Duplication.
Coding change: c.2168dup on transcript NM_033380.3 (MANE Select); coding-DNA position 2168, one base duplicated (C; older notation c.2168dupC).
Protein change: p.Pro724fs; shifts the reading frame from proline 724.
Molecular consequence: frameshift variant.
Genome position (GRCh38, 1-based): chrX:108,602,985, C duplicated; the last of 2 consecutive C bases (chrX:108,602,984-108,602,985); duplicating either gives the same sequence. VCF-style (leftmost placement, unchanged base first): chrX-108602983-A-AC. GRCh37 (hg19) VCF-style: chrX-107846213-A-AC.
Other names: c.2168dup, p.Pro724fs (NM_000495.5); short protein forms P724fs.
Identifiers: ClinVar variation 5011796 (VCV005011796.1).

ClinVar aggregate classification (germline): Pathogenic (1 of 4 stars; one submission).

Conditions:
X-linked Alport syndrome (ATS1). Also called: NEPHROPATHY AND DEAFNESS, X-LINKED; COL4A5-Related Nephropathy. Identifiers: Orphanet 63, Orphanet 88917, MedGen C4746986, MONDO:0010520, OMIM 301050.

Submission:

Myriad Genetics, Inc.
Classification: Pathogenic for X-linked Alport syndrome. Last evaluated: 2023-09-27. Review status: criteria provided, single submitter. Criteria: Myriad Autosomal Dominant, Autosomal Recessive and X-Linked Classification Criteria (2023). Collection method: clinical testing. Allele origin: unknown.
Comment: NM_000495.4(COL4A5):c.2168dupC(P724Sfs*27) is expected to be pathogenic in the context of X-linked Alport syndrome. This variant is predicted to lead to an abnormal or absent protein product due to the creation of a premature termination codon in COL4A5, a gene where loss-of-function variants are known to be pathogenic. Please note: this variant was assessed in the context of healthy population screening.